The following is an entry in ClinVar:

NM_001458.5(FLNC):c.5854A>C (p.Met1952Leu)

Genes: FLNC (filamin C; plus strand), FLNC-AS1 (FLNC antisense RNA 1; minus strand). Cytogenetic location: 7q32.1.
Variant type: single nucleotide variant.
Coding change: c.5854A>C on transcript NM_001458.5 (MANE Select); coding-DNA position 5854, A replaced by C.
Protein change: p.Met1952Leu; replaces methionine 1952 with leucine.
Molecular consequence: missense variant.
Genome position (GRCh38, 1-based): chr7:128,852,602, A>C. VCF-style: chr7-128852602-A-C. GRCh37 (hg19) VCF-style: chr7-128492656-A-C.
Other names: c.5755A>C, p.Met1919Leu (NM_001127487.2); short protein forms M1919L, M1952L.
Identifiers: ClinVar variation 4614186 (VCV004614186.1).
Genomic context (GRCh38, chr7:128,852,602, plus strand): 5'-AGGGCCTGCCTGGAGTCATAGCAGCCTGATGCCCCAACTCCCCCACCAGGTGATGACTCC[A>C]TGAGGACCTCACAGCTGAATGTGGGCACCTCCACGGACGTGTCACTGAAGATCACCGAGA-3'
Protein context (NP_001449.3, residues 1942-1962): FTAKITGDDS[Met1952Leu]RTSQLNVGTS

ClinVar aggregate classification (germline): Uncertain significance (1 of 4 stars; one submission).

Conditions:
Cardiovascular phenotype. Identifiers: MedGen CN230736.

Submission:

Ambry Genetics
Classification: Uncertain significance for Cardiovascular phenotype. Last evaluated: 2025-09-21. Review status: criteria provided, single submitter. Criteria: Ambry Variant Classification Scheme 2023. Collection method: clinical testing. Allele origin: germline.
Comment: The p.M1952L variant (also known as c.5854A>C), located in coding exon 36 of the FLNC gene, results from an A to C substitution at nucleotide position 5854. The methionine at codon 1952 is replaced by leucine, an amino acid with highly similar properties. This amino acid position is conserved. In addition, this alteration is predicted to be tolerated by in silico analysis. Based on the available evidence, the clinical significance of this variant remains unclear.